The following is an entry in ClinVar:

ClinVar aggregate classification (germline): Uncertain significance (0 of 4 stars; one submission).

Allele frequency attached by ClinVar (database versions not stated): gnomAD exomes below 0.00001.
gnomAD v4.1: 1 of 1,614,124 alleles (0.000062%); highest among the groups gnomAD compares: South Asian, 0.0011%; no homozygotes.

Submission:

Leiden Open Variation Database
Classification: Uncertain significance. Last evaluated: 2018-08-25. Review status: no assertion criteria provided. Collection method: curation. Allele origin: germline. Affected: yes.
Comment: Curators: Marc Tischkowitz, Arleen D. Auerbach. Submitter to LOVD: Yukihide Momozawa.

Literature cited by the submitters: PubMed 30287823.

NM_024675.4(PALB2):c.792C>A (p.His264Gln)

Gene: PALB2 (partner and localizer of BRCA2; minus strand). Cytogenetic location: 16p12.2.
Variant type: single nucleotide variant.
Coding change: c.792C>A on transcript NM_024675.4 (MANE Select); coding-DNA position 792, C replaced by A.
Protein change: p.His264Gln; replaces histidine 264 with glutamine.
Molecular consequence: missense variant.
Genome position (GRCh38, 1-based): chr16:23,635,754, G>T on the plus strand (C>A on the coding strand, the complement: PALB2 is on the minus strand). VCF-style: chr16-23635754-G-T. GRCh37 (hg19) VCF-style: chr16-23647075-G-T.
Other names: short protein forms H264Q.
Identifiers: ClinVar variation 830119 (VCV000830119.1), dbSNP rs1310569612, ClinGen allele CA395136036.
Genomic context (GRCh38, chr16:23,635,754, plus strand): 5'-AGTAAATCTAATGTTTTTTAGGTCGTGAGTAGTAAGTTCACTGCTACCTTTAGGAGGAAT[G>T]TGTTCAAGGTGCTGACTACTACCGCTATCTGATAGAGTCTGTAAAGGAACTGTAGTCGCC-3'
Protein context (NP_078951.2, residues 254-274): SDSGSSQHLE[His264Gln]IPPKGSSELT